The following is an entry in ClinVar:

ClinVar aggregate classification (germline): Uncertain significance (1 of 4 stars; one submission).

Submission:

GeneDx
Classification: Uncertain significance. Last evaluated: 2023-12-22. Review status: criteria provided, single submitter. Criteria: GeneDx Variant Classification Process June 2021. Collection method: clinical testing. Allele origin: germline. Affected: yes.
Comment: Not observed at significant frequency in large population cohorts (gnomAD); In-frame deletion of 1 amino acids in a non-repeat region; In silico analysis supports a deleterious effect on protein structure/function; Has not been previously published as pathogenic or benign to our knowledge

NM_002693.3(POLG):c.2293_2295del (p.Pro765del)

Gene: POLG (DNA polymerase gamma, catalytic subunit; minus strand). Cytogenetic location: 15q26.1.
Variant type: Deletion.
Coding change: c.2293_2295del on transcript NM_002693.3 (MANE Select); coding-DNA positions 2293 to 2295, 3 bases deleted (CCC; older notation c.2293_2295delCCC).
Protein change: p.Pro765del; deletes proline 765.
Molecular consequence: inframe deletion. On other transcripts: inframe indel (1).
Genome position (GRCh38, 1-based): chr15:89,322,873-89,322,875, GGG deleted on the plus strand (CCC on the coding strand, the reverse complement: POLG is on the minus strand); deleting any 3 consecutive bases within chr15:89,322,873-89,322,876 gives the same sequence; the c. name uses the placement nearest the transcript's 3' end. VCF-style (leftmost placement, unchanged base first): chr15-89322872-AGGG-A. GRCh37 (hg19) VCF-style: chr15-89866103-AGGG-A.
Other names: c.2293_2295del, p.Pro765del (NM_001126131.2); c.2292_2294delCCC, p.Pro765del (NM_002693.2); short protein forms P765del.
Identifiers: ClinVar variation 3370253 (VCV003370253.1).